The following is an entry in ClinVar:

ClinVar aggregate classification (germline): Uncertain significance. Review status: criteria provided, multiple submitters, no conflicts (2 of 4 stars). 3 submissions from 3 submitters: Uncertain significance (3). Last evaluated 2025-10-01.

Conditions:
Gnathodiaphyseal dysplasia (GDD). Also called: GNATHODIAPHYSEAL SCLEROSIS; OSTEOGENESIS IMPERFECTA WITH UNUSUAL SKELETAL LESIONS. Identifiers: Orphanet 53697, MedGen C1833736, MONDO:0008151, OMIM 166260.
Autosomal recessive limb-girdle muscular dystrophy type 2L (LGMDR12). Also called: Limb-girdle muscular dystrophy, type 2L; Limb-Girdle Muscular Dystrophy R12 Anoctamin-5-Related (LGMD-R12); MUSCULAR DYSTROPHY, LIMB-GIRDLE, AUTOSOMAL RECESSIVE 12. Identifiers: Orphanet 206549, MedGen C1969785, MONDO:0012652, OMIM 611307.

Allele frequency attached by ClinVar (database versions not stated): ExAC 0.00001; gnomAD 0.00001 and 0.00003; gnomAD exomes 0.00001; TOPMed 0.00002; ESP Exome Variant Server 0.00008.
gnomAD v4.1: 2 of 1,612,892 alleles (0.00012%); highest among the groups gnomAD compares: African/African-American, 0.0027%; no homozygotes.

Submissions (3):

Labcorp Genetics (formerly Invitae), Labcorp
Classification: Uncertain significance for Autosomal recessive limb-girdle muscular dystrophy type 2L; Gnathodiaphyseal dysplasia. Last evaluated: 2025-10-01. Review status: criteria provided, single submitter. Criteria: Invitae Variant Classification Sherloc (09022015). Collection method: clinical testing. Allele origin: germline.
Comment: This sequence change replaces proline, which is neutral and non-polar, with arginine, which is basic and polar, at codon 4 of the ANO5 protein (p.Pro4Arg). This variant is present in population databases (rs376116831, gnomAD 0.01%). This missense change has been observed in individual(s) with clinical suspicion of limb-girdle muscular dystrophy (PMID: 30564623). ClinVar contains an entry for this variant (Variation ID: 284382). Invitae Evidence Modeling of protein sequence and biophysical properties (such as structural, functional, and spatial information, amino acid conservation, physicochemical variation, residue mobility, and thermodynamic stability) indicates that this missense variant is expected to disrupt ANO5 protein function with a positive predictive value of 95%. In summary, the available evidence is currently insufficient to determine the role of this variant in disease. Therefore, it has been classified as a Variant of Uncertain Significance.

Revvity Omics, Revvity
Classification: Uncertain significance. Last evaluated: 2019-08-27. Review status: criteria provided, single submitter. Criteria: ACMG Guidelines, 2015. Collection method: clinical testing. Allele origin: germline.

Eurofins Ntd Llc (ga)
Classification: Uncertain significance. Last evaluated: 2015-10-26. Review status: criteria provided, single submitter. Criteria: EGL Classification Definitions 2015. Collection method: clinical testing. Allele origin: germline. Observed: 1 variant allele, 1 heterozygote.

Literature cited by the submitters: PubMed 30564623 (cited by Labcorp Genetics (formerly Invitae), Labcorp).

NM_213599.3(ANO5):c.11C>G (p.Pro4Arg)

Gene: ANO5 (anoctamin 5; plus strand). Cytogenetic location: 11p14.3.
Variant type: single nucleotide variant.
Coding change: c.11C>G on transcript NM_213599.3 (MANE Select); coding-DNA position 11, C replaced by G.
Protein change: p.Pro4Arg; replaces proline 4 with arginine.
Molecular consequence: missense variant.
Genome position (GRCh38, 1-based): chr11:22,193,503, C>G. VCF-style: chr11-22193503-C-G. GRCh37 (hg19) VCF-style: chr11-22215049-C-G.
Other names: c.11C>G (NM_213599.2); c.11C>G, p.Pro4Arg (NM_001142649.2); short protein forms P4R.
Identifiers: ClinVar variation 284382 (VCV000284382.13), dbSNP rs376116831, ClinGen allele CA5922736.
Genomic context (GRCh38, chr11:22,193,503, plus strand): 5'-CCCTCTCCTGCTGCCTCTCAGGCACCAGTGCCATTAACGAGCTGGCGAAGATGGGCGACC[C>G]GGATCTCCTGGAAGTGTTGGCGGAGGAAGGTAGGACCGCGCCAAGAGGCGTCAAGGGAGA-3'
Protein context (NP_998764.1, residues 1-14): MGD[Pro4Arg]DLLEVLAEEG